The following is an entry in ClinVar:

NM_001135651.3(EIF2AK2):c.542C>G (p.Ser181Cys)

Gene: EIF2AK2 (eukaryotic translation initiation factor 2 alpha kinase 2; minus strand). Cytogenetic location: 2p22.2.
Variant type: single nucleotide variant.
Coding change: c.542C>G on transcript NM_001135651.3 (MANE Select); coding-DNA position 542, C replaced by G.
Protein change: p.Ser181Cys; replaces serine 181 with cysteine.
Molecular consequence: missense variant.
Genome position (GRCh38, 1-based): chr2:37,138,560, G>C on the plus strand (C>G on the coding strand, the complement: EIF2AK2 is on the minus strand). VCF-style: chr2-37138560-G-C. GRCh37 (hg19) VCF-style: chr2-37365703-G-C.
Other names: c.542C>G, p.Ser181Cys (NM_001135652.3, NM_002759.4); short protein forms S181C.
Identifiers: ClinVar variation 3384587 (VCV003384587.1).
Genomic context (GRCh38, chr2:37,138,560, plus strand): 5'-TACACTTACAGTGTGCTGGTCACTAAAGAGTTGCTTTGGGACTCACACGTAGTAGCAAAA[G>C]AACCAGAGGACAGGTAGTCAGATTTCTGAAAGAAAAAGTATCCCTTAGTAGGCTTAAATA-3'
Protein context (NP_001129123.1, residues 171-191): SVKSDYLSSG[Ser181Cys]FATTCESQSN

ClinVar aggregate classification (germline): Uncertain significance (1 of 4 stars; one submission).

Submission:

GeneDx
Classification: Uncertain significance. Last evaluated: 2024-06-04. Review status: criteria provided, single submitter. Criteria: GeneDx Variant Classification Process June 2021. Collection method: clinical testing. Allele origin: germline. Affected: yes.
Comment: Not observed at significant frequency in large population cohorts (gnomAD); In silico analysis indicates that this missense variant does not alter protein structure/function; Has not been previously published as pathogenic or benign to our knowledge